The following is an entry in ClinVar:

NM_017780.4(CHD7):c.5210+1G>A

Gene: CHD7 (chromodomain helicase DNA binding protein 7; plus strand). Cytogenetic location: 8q12.2.
Variant type: single nucleotide variant.
Coding change: c.5210+1G>A on transcript NM_017780.4 (MANE Select); the canonical splice donor site of the intron after coding-DNA position 5210, G replaced by A.
Molecular consequence: splice donor variant. On other transcripts: intron variant (1).
Genome position (GRCh38, 1-based): chr8:60,845,410, G>A. VCF-style: chr8-60845410-G-A. GRCh37 (hg19) VCF-style: chr8-61757969-G-A.
Other names: c.1717-16819G>A (NM_001316690.1).
Identifiers: ClinVar variation 1687251 (VCV001687251.2), dbSNP rs2150794309, ClinGen allele CA371320748.

ClinVar aggregate classification (germline): Pathogenic/Likely pathogenic. Review status: criteria provided, multiple submitters, no conflicts (2 of 4 stars). 2 submissions from 2 submitters: Pathogenic (1); Likely pathogenic (1). Last evaluated 2023-02-24.

Conditions:
CHD7-related disorder. Also called: CHD7-related condition.
CHARGE syndrome (CHARGE). Also called: Coloboma, heart anomaly, choanal atresia, retardation, genital and ear anomalies; CHARGE association; Hall-Hittner syndrome; Hittner Hirsch Kreh syndrome; CHARGE ASSOCIATION--COLOBOMA, HEART ANOMALY, CHOANAL ATRESIA, RETARDATION, GENITAL AND EAR ANOMALIES. Identifiers: Orphanet 138, MedGen C0265354, MONDO:0008965.

Submissions (2):

Blueprint Genetics
Classification: Pathogenic for CHD7-related disorders. Last evaluated: 2023-02-24. Review status: criteria provided, single submitter. Criteria: ACMG Guidelines, 2015. Collection method: clinical testing. Allele origin: germline. Affected: yes. Observed: 1 variant allele.

3billion
Classification: Likely pathogenic for CHD7-related CHARGE syndrome. Last evaluated: 2022-05-22. Review status: criteria provided, single submitter. Criteria: ACMG Guidelines, 2015. Collection method: clinical testing. Allele origin: germline. Affected: yes. Observed: 1 heterozygote.
Comment: The variant is not observed in the gnomAD v2.1.1 dataset. Canonical splice site: predicted to alter splicing and result in a loss or disruption of normal protein function. Multiple pathogenic loss-of-function variants are reported downstream of the variant. Therefore, this variant is classified as likely pathogenic according to the recommendation of ACMG/AMP guideline.